The following is an entry in ClinVar:

ClinVar aggregate classification (germline): Pathogenic. Review status: criteria provided, multiple submitters, no conflicts (2 of 4 stars). 7 submissions from 7 submitters: Pathogenic (5). 2 of the submissions do not count toward it. Last evaluated 2026-02-21.

Conditions:
F9-related disorder. Also called: F9-related condition.
Warfarin sensitivity, X-linked. Also called: COUMARIN SENSITIVITY, X-LINKED. Identifiers: MedGen C5393318, OMIM 301052, MONDO:0026768.
Thrombophilia, X-linked, due to factor 9 defect. Identifiers: MedGen C2749016, MONDO:0010432, OMIM 300807.
Hereditary factor IX deficiency disease (HEMB). Also called: PLASMA THROMBOPLASTIN COMPONENT DEFICIENCY; Hemophilia B; F9 DEFICIENCY; FACTOR IX DEFICIENCY; Christmas Disease. Identifiers: Orphanet 98879, MedGen C0008533, MeSH D002836, MONDO:0010604, OMIM 306900.

Allele frequency attached by ClinVar (database versions not stated): TOPMed 0.00004; gnomAD 0.00001.
gnomAD v4.1: 1 of 1,210,030 alleles (0.000083%); highest among the groups gnomAD compares: African/African-American, 0.0018%; no homozygotes.

Submissions (7):

GeneDx
Classification: Pathogenic. Last evaluated: 2026-02-21. Review status: criteria provided, single submitter. Criteria: GeneDx Variant Classification Process June 2021. Collection method: clinical testing. Allele origin: germline.
Comment: Nonsense variant predicted to result in protein truncation, as the last 78 amino acid(s) are lost, and other loss-of-function variants have been reported downstream in HGMD; Not observed at significant frequency in large population cohorts (gnomAD); This variant is associated with the following publications: (PMID: 36347023, 32875744, 32224444, 32766856, 34828413, 34590426, 22103590, 22544209, 15921378, 2066105)

Labcorp Genetics (formerly Invitae), Labcorp
Classification: Pathogenic for Thrombophilia, X-linked, due to factor 9 defect; Hereditary factor IX deficiency disease. Last evaluated: 2023-10-25. Review status: criteria provided, single submitter. Criteria: Invitae Variant Classification Sherloc (09022015). Collection method: clinical testing. Allele origin: germline.
Comment: This sequence change creates a premature translational stop signal (p.Arg384*) in the F9 gene. While this is not anticipated to result in nonsense mediated decay, it is expected to disrupt the last 78 amino acid(s) of the F9 protein. This variant is not present in population databases (gnomAD no frequency). This premature translational stop signal has been observed in individuals with hemophilia B (PMID: 2066105, 2741941, 18624698, 22544209). This variant is also known as Arg338Stop. ClinVar contains an entry for this variant (Variation ID: 10615). For these reasons, this variant has been classified as Pathogenic.

PreventionGenetics, part of Exact Sciences
Classification: Pathogenic for F9-related condition. Last evaluated: 2023-01-06. Review status: criteria provided, single submitter. Criteria: ACMG Guidelines, 2015. Collection method: clinical testing. Allele origin: germline.
Comment: The F9 c.1150C>T variant is predicted to result in premature protein termination (p.Arg384*). This variant, previously described as p.Arg338*, has been reported to be causative for Hemophilia B (Chen et al. 1991. PubMed ID: 2066105; Huang et al. 2020. PubMed ID: 32875744; Villarreal-Martínez et al. 2020. PubMed ID: 32224444). This variant has not been reported in a large population database, indicating this variant is rare. Nonsense variants in F9 are expected to be pathogenic. This variant is interpreted as pathogenic.

ARUP Laboratories, Molecular Genetics and Genomics, ARUP Laboratories
Classification: Pathogenic. Last evaluated: 2019-06-14. Review status: criteria provided, single submitter. Criteria: ARUP Molecular Germline Variant Investigation Process. Collection method: clinical testing. Allele origin: germline.
Comment: The F9 c.1150C>T; p.Arg384Ter variant (rs137852261) is reported in the literature in multiple individuals affected with moderate to severe hemophilia B (Chen 1991, Giannelli 1994, Factor IX database and references therein). Functional assays indicate that patients with this variant exhibit clotting activity less than 1% of wildtype (Chen 1991, Giannelli 1994). This variant is absent from general population databases (Exome Variant Server, Genome Aggregation Database), indicating it is not a common polymorphism. This variant results in a premature termination codon in the last exon of the F9 gene, which may not lead to nonsense-mediated decay but is expected to truncate the final 78 amino acids. Additionally, truncating variants downstream of p.Arg384Ter have been reported in individuals with hemophilia B and are considered disease-causing (Giannelli 1994). Based on available information, the p.Arg384Ter variant is considered to be pathogenic. References: Factor IX database: Chen SH et al. CG dinucleotide transitions in the factor IX gene account for about half of the point mutations in hemophilia B patients: a Seattle series. Hum Genet. 1991 Jun;87(2):177-82. Giannelli F et al. Haemophilia B: database of point mutations and short additions and deletions, fifth edition, 1994. Nucleic Acids Res. 1994 Sep;22(17):3534-46.

Juno Genomics, Hangzhou Juno Genomics, Inc
Classification: Pathogenic for Thrombophilia, X-linked, due to factor 9 defect; Warfarin sensitivity, X-linked; Hereditary factor IX deficiency disease. Review status: criteria provided, single submitter. Criteria: ACMG Guidelines, 2015. Collection method: clinical testing. Allele origin: germline. Affected: yes.
Comment: Absent from controls (or at extremely low frequency if recessive) in Genome Aggregation Database.;Null variant in a gene where loss of function (LOF) is a known mechanism of disease.;The prevalence of the variant in affected individuals is significantly increased compared to the prevalence in controls.

Angelo Bianchi Bonomi Hemophilia and Thrombosis Center, Fondazione IRCCS Ca Granda Ospedale Maggiore Policlinico
Classification: Pathogenic for Hereditary factor IX deficiency disease. Last evaluated: 2019-06-01. Review status: no assertion criteria provided. Collection method: clinical testing. Allele origin: germline. Affected: yes. Observed: 1 variant allele. Not counted in ClinVar's aggregate classification.

OMIM
Classification: Pathogenic for HEMOPHILIA B. Last evaluated: 1989-07-01. Review status: no assertion criteria provided. Collection method: literature only. Allele origin: germline. Not counted in ClinVar's aggregate classification.

Literature cited by the submitters: PubMed 2066105 (cited by Labcorp Genetics (formerly Invitae), Labcorp); PubMed 2741941 (cited by Labcorp Genetics (formerly Invitae), Labcorp and OMIM); PubMed 18624698 (cited by Labcorp Genetics (formerly Invitae), Labcorp); PubMed 22544209 (cited by Labcorp Genetics (formerly Invitae), Labcorp and Angelo Bianchi Bonomi Hemophilia and Thrombosis Center, Fondazione IRCCS Ca Granda Ospedale Maggiore Policlinico); PubMed 15921378 (cited by Angelo Bianchi Bonomi Hemophilia and Thrombosis Center, Fondazione IRCCS Ca Granda Ospedale Maggiore Policlinico); PubMed 8320491 (cited by Angelo Bianchi Bonomi Hemophilia and Thrombosis Center, Fondazione IRCCS Ca Granda Ospedale Maggiore Policlinico); PubMed 22103590 (cited by Angelo Bianchi Bonomi Hemophilia and Thrombosis Center, Fondazione IRCCS Ca Granda Ospedale Maggiore Policlinico).

NM_000133.4(F9):c.1150C>T (p.Arg384Ter)

Gene: F9 (coagulation factor IX; plus strand). Cytogenetic location: Xq27.1.
Variant type: single nucleotide variant.
Coding change: c.1150C>T on transcript NM_000133.4 (MANE Select); coding-DNA position 1150, C replaced by T.
Protein change: p.Arg384Ter; replaces arginine 384 with a stop codon.
Molecular consequence: nonsense.
Genome position (GRCh38, 1-based): chrX:139,561,835, C>T. VCF-style: chrX-139561835-C-T. GRCh37 (hg19) VCF-style: chrX-138643994-C-T.
Other names: F9, ARG338TER; R338*; c.1036C>T, p.Arg346Ter (NM_001313913.2); short protein forms R384*, R346*.
Identifiers: ClinVar variation 10615 (VCV000010615.25), dbSNP rs137852261, ClinGen allele CA255399.